The following is an entry in ClinVar:

ClinVar aggregate classification (germline): Uncertain significance (1 of 4 stars; one submission).

Conditions:
Inborn genetic diseases. Identifiers: MedGen C0950123, MeSH D030342.

gnomAD v4.1: 1 of 1,612,398 alleles (0.000062%); highest among the groups gnomAD compares: Non-Finnish European, 0.000085%; no homozygotes.

Submission:

Ambry Genetics
Classification: Uncertain significance for Inborn genetic diseases. Last evaluated: 2024-08-17. Review status: criteria provided, single submitter. Criteria: Ambry Variant Classification Scheme 2023. Collection method: clinical testing. Allele origin: germline.
Comment: The p.N375S variant (also known as c.1124A>G), located in coding exon 10 of the LRRK2 gene, results from an A to G substitution at nucleotide position 1124. The asparagine at codon 375 is replaced by serine, an amino acid with highly similar properties. This amino acid position is conserved. In addition, this alteration is predicted to be tolerated by in silico analysis. Based on the available evidence, the clinical significance of this variant remains unclear.

NM_198578.4(LRRK2):c.1124A>G (p.Asn375Ser)

Gene: LRRK2 (leucine rich repeat kinase 2; plus strand). Cytogenetic location: 12q12.
Variant type: single nucleotide variant.
Coding change: c.1124A>G on transcript NM_198578.4 (MANE Select); coding-DNA position 1124, A replaced by G.
Protein change: p.Asn375Ser; replaces asparagine 375 with serine.
Molecular consequence: missense variant.
Genome position (GRCh38, 1-based): chr12:40,251,487, A>G. VCF-style: chr12-40251487-A-G. GRCh37 (hg19) VCF-style: chr12-40645289-A-G.
Other names: short protein forms N375S.
Identifiers: ClinVar variation 3540627 (VCV003540627.1).